The following is an entry in ClinVar:

ClinVar aggregate classification (germline): Uncertain significance (1 of 4 stars; one submission).

Allele frequency attached by ClinVar (database versions not stated): gnomAD exomes below 0.00001.
gnomAD v4.1: 1 of 1,613,482 alleles (0.000062%); highest among the groups gnomAD compares: Non-Finnish European, 0.000085%; no homozygotes.

Submission:

Labcorp Genetics (formerly Invitae), Labcorp
Classification: Uncertain significance. Last evaluated: 2023-05-06. Review status: criteria provided, single submitter. Criteria: Invitae Variant Classification Sherloc (09022015). Collection method: clinical testing. Allele origin: germline.
Comment: This sequence change replaces valine, which is neutral and non-polar, with glycine, which is neutral and non-polar, at codon 2 of the CD2AP protein (p.Val2Gly). This variant is not present in population databases (gnomAD no frequency). This variant has not been reported in the literature in individuals affected with CD2AP-related conditions. An algorithm developed to predict the effect of missense changes on protein structure and function (PolyPhen-2) suggests that this variant is likely to be tolerated. In summary, the available evidence is currently insufficient to determine the role of this variant in disease. Therefore, it has been classified as a Variant of Uncertain Significance.

NM_012120.3(CD2AP):c.5T>G (p.Val2Gly)

Gene: CD2AP (CD2 associated protein; plus strand). Cytogenetic location: 6p12.3.
Variant type: single nucleotide variant.
Coding change: c.5T>G on transcript NM_012120.3 (MANE Select); coding-DNA position 5, T replaced by G.
Protein change: p.Val2Gly; replaces valine 2 with glycine.
Molecular consequence: missense variant.
Genome position (GRCh38, 1-based): chr6:47,503,280, T>G. VCF-style: chr6-47503280-T-G. GRCh37 (hg19) VCF-style: chr6-47471016-T-G.
Other names: short protein forms V2G.
Identifiers: ClinVar variation 2969694 (VCV002969694.3), dbSNP rs2481088400, ClinGen allele CA363940089.